The following is an entry in ClinVar:

NC_000013.11:g.48303679C>T

Genes: RB1 (RB transcriptional corepressor 1; plus strand), RB1-DT (RB1 divergent transcript; minus strand). Cytogenetic location: 13q14.2.
Variant type: single nucleotide variant.
Molecular consequence: non-coding transcript variant (on NR_046414.2).
Genome position: GRCh38 VCF-style: chr13-48303679-C-T. GRCh37 (hg19) VCF-style: chr13-48877815-C-T.
Identifiers: ClinVar variation 3720047 (VCV003720047.2).
Genomic context (GRCh38, chr13:48,303,679, plus strand): 5'-TCATGACTTAGCGTCCCAGCCCGCGCACCGACCAGCGCCCCAGTTCCCCACAGACGCCGG[C>T]GGGCCCGGGAGCCTCGCGGACGTGACGCCGCGGGCGGAAGTGACGTTTTCCCGCGGTTGG-3'

ClinVar aggregate classification (germline): Uncertain significance (1 of 4 stars; one submission).

Conditions:
Retinoblastoma (RB1). Also called: RETINOBLASTOMA, SOMATIC. Identifiers: Orphanet 790, MedGen C0035335, MeSH D012175, MONDO:0008380, OMIM 180200, HP:0009919. Disease mechanism: loss of function. Inheritance: Both sporadic and heritable forms are tested..

Submission:

Labcorp Genetics (formerly Invitae), Labcorp
Classification: Uncertain significance for Retinoblastoma. Last evaluated: 2025-12-09. Review status: criteria provided, single submitter. Criteria: Invitae Variant Classification Sherloc (09022015). Collection method: clinical testing. Allele origin: germline.
Comment: This variant occurs in a non-coding region of the RB1 gene. It does not change the encoded amino acid sequence of the RB1 protein. This variant is not present in population databases (gnomAD no frequency). This variant has not been reported in the literature in individuals affected with RB1-related conditions. Experimental studies and prediction algorithms are not available or were not evaluated, and the functional significance of this variant is currently unknown. In summary, the available evidence is currently insufficient to determine the role of this variant in disease. Therefore, it has been classified as a Variant of Uncertain Significance.